The following is an entry in ClinVar:

ClinVar aggregate classification (germline): Uncertain significance (1 of 4 stars; one submission).

Conditions:
Cryopyrin associated periodic syndrome (CAPS). Identifiers: Orphanet 208650, MedGen C2316212, MONDO:0016168.

Submission:

Labcorp Genetics (formerly Invitae), Labcorp
Classification: Uncertain significance for Cryopyrin associated periodic syndrome. Last evaluated: 2025-10-03. Review status: criteria provided, single submitter. Criteria: Invitae Variant Classification Sherloc (09022015). Collection method: clinical testing. Allele origin: germline.
Comment: This variant, c.1683_1685del, results in the deletion of 1 amino acid(s) of the NLRP3 protein (p.Leu562del), but otherwise preserves the integrity of the reading frame. This variant is not present in population databases (gnomAD no frequency). This variant has not been reported in the literature in individuals affected with NLRP3-related conditions. ClinVar contains an entry for this variant (Variation ID: 1462677). Experimental studies and prediction algorithms are not available or were not evaluated, and the functional significance of this variant is currently unknown. In summary, the available evidence is currently insufficient to determine the role of this variant in disease. Therefore, it has been classified as a Variant of Uncertain Significance.

NM_001243133.2(NLRP3):c.1677_1679del (p.Leu560del)

Gene: NLRP3 (NLR family pyrin domain containing 3; plus strand). Cytogenetic location: 1q44.
Variant type: Deletion.
Coding change: c.1677_1679del on transcript NM_001243133.2 (MANE Select); coding-DNA positions 1677 to 1679, 3 bases deleted (TCT; older notation c.1677_1679delTCT).
Protein change: p.Leu560del; deletes leucine 560.
Molecular consequence: inframe deletion.
Genome position (GRCh38, 1-based): chr1:247,425,126-247,425,128, TCT deleted; deleting any 3 consecutive bases within chr1:247,425,124-247,425,128 gives the same sequence; the c. name uses the placement nearest the transcript's 3' end. VCF-style (leftmost placement, unchanged base first): chr1-247425123-CCTT-C. GRCh37 (hg19) VCF-style: chr1-247588425-CCTT-C.
Other names: c.1677_1679del, p.Leu560del (NM_001079821.3, NM_001127461.3, NM_001127462.3 and 1 more transcripts); c.1683_1685del, p.Leu562del (NM_004895.5); short protein forms L560del, L562del.
Identifiers: ClinVar variation 1462677 (VCV001462677.6), dbSNP rs2103112144, ClinGen allele CA2573132111.